The following is an entry in ClinVar:

NM_000080.4(CHRNE):c.529_551del (p.Glu177fs)

Genes: C17orf107 (chromosome 17 open reading frame 107; plus strand), CHRNE (cholinergic receptor nicotinic epsilon subunit; minus strand). Cytogenetic location: 17p13.2.
Variant type: Deletion.
Coding change: c.529_551del on transcript NM_000080.4 (MANE Select); coding-DNA positions 529 to 551, 23 bases deleted (GAGTTCACTTTTGCCGTAGACAA).
Protein change: p.Glu177fs; shifts the reading frame from glutamic acid 177.
Molecular consequence: frameshift variant. On other transcripts: 3 prime UTR variant (1).
Genome position (GRCh38, 1-based): chr17:4,901,575-4,901,597, TTGTCTACGGCAAAAGTGAACTC deleted on the plus strand (GAGTTCACTTTTGCCGTAGACAA on the coding strand, the reverse complement: CHRNE is on the minus strand). VCF-style (leftmost placement, unchanged base first): chr17-4901574-GTTGTCTACGGCAAAAGTGAACTC-G. GRCh37 (hg19) VCF-style: chr17-4804869-GTTGTCTACGGCAAAAGTGAACTC-G.
Other names: c.*1042_*1064del (NM_001145536.2); c.529_551del23 (NM_000080.3); c.529_551delGAGTTCACTTTTGCCGTAGACAA (NM_000080.3); short protein forms E177fs.
Identifiers: ClinVar variation 1075930 (VCV001075930.22), dbSNP rs758687208, ClinGen allele CA8314362.

ClinVar aggregate classification (germline): Pathogenic/Likely pathogenic. Review status: criteria provided, multiple submitters, no conflicts (2 of 4 stars). 10 submissions from 10 submitters: Pathogenic (8); Likely pathogenic (1). 1 of the submissions does not count toward it. Last evaluated 2026-05-08.

Conditions:
CHRNE-related disorder. Also called: CHRNE-related condition.
Inborn genetic diseases. Identifiers: MedGen C0950123, MeSH D030342.
Congenital myasthenic syndrome (CMS). Also called: Congenital Myasthenic Syndromes. Identifiers: Orphanet 590, MedGen C0751882, MeSH D020294, MONDO:0018940.
Congenital myasthenic syndrome 4A. Also called: Myasthenic syndrome, congenital, 4a, slow-channel; CONGENITAL MYASTHENIC SYNDROME TYPE Ia1; MYASTHENIC SYNDROME, CONGENITAL, 4A, SLOW-CHANNEL, AUTOSOMAL RECESSIVE. Identifiers: Orphanet 590, MedGen C4225413, MONDO:0011600, OMIM 605809.

Allele frequency attached by ClinVar (database versions not stated): gnomAD exomes below 0.00001 and 0.00001; ExAC 0.00001; gnomAD 0.00001 and 0.00002; TOPMed 0.00002.

Submissions (10):

Myriad Genetics, Inc.
Classification: Pathogenic for Congenital myasthenic syndrome. Last evaluated: 2026-05-08. Review status: criteria provided, single submitter. Criteria: Myriad Autosomal Dominant, Autosomal Recessive and X-Linked Classification Criteria (2023). Collection method: clinical testing. Allele origin: unknown.
Comment: NM_000080.3(CHRNE):c.529_551del23(E177Rfs*17) is a frameshift variant classified as pathogenic in the context of congenital myasthenic syndrome, CHRNE-related. E177Rfs*17 has been observed in cases with relevant disease (PMID: 26284228, 38832364). Relevant functional assessments of this variant are not available in the literature. E177Rfs*17 has been observed in referenced population frequency databases. In summary, NM_000080.3(CHRNE):c.529_551del23(E177Rfs*17) is a frameshift variant in a gene where loss of function is a known mechanism of disease, is predicted to disrupt protein function, and has been observed more frequently in cases with the relevant disease than in healthy populations. Please note: this variant was assessed in the context of healthy population screening.

Labcorp Genetics (formerly Invitae), Labcorp
Classification: Pathogenic for Congenital myasthenic syndrome 4A. Last evaluated: 2026-01-28. Review status: criteria provided, single submitter. Criteria: Invitae Variant Classification Sherloc (09022015). Collection method: clinical testing. Allele origin: germline.
Comment: This sequence change creates a premature translational stop signal (p.Glu177Argfs*17) in the CHRNE gene. It is expected to result in an absent or disrupted protein product. Loss-of-function variants in CHRNE are known to be pathogenic (PMID: 22678886). This variant is present in population databases (rs758687208, gnomAD 0.007%). This premature translational stop signal has been observed in individual(s) with clinical features of autosomal recessive CHRNE-related conditions (PMID: 26284228). ClinVar contains an entry for this variant (Variation ID: 1075930). For these reasons, this variant has been classified as Pathogenic.

Ambry Genetics
Classification: Pathogenic for Inborn genetic diseases. Last evaluated: 2025-05-22. Review status: criteria provided, single submitter. Criteria: Ambry Variant Classification Scheme 2023. Collection method: clinical testing. Allele origin: germline.
Comment: The c.529_551del23 (p.E177Rfs*17) alteration, located in exon 6 (coding exon 6) of the CHRNE gene, consists of a deletion of 23 nucleotides from position 529 to 551, causing a translational frameshift with a predicted alternate stop codon after 17 amino acids. This alteration is expected to result in loss of function by premature protein truncation or nonsense-mediated mRNA decay. for autosomal recessive CHRNE-related congenital myasthenic syndrome; however, it is unlikely to be causative of autosomal dominant CHRNE-related congenital myasthenic syndrome. Although biallelic loss of function of CHRNE has been associated with autosomal recessive CHRNE-related congenital myasthenic syndrome, haploinsufficiency of CHRNE has not been established as a mechanism of disease for autosomal dominant CHRNE-related congenital myasthenic syndrome. This variant was not reported in population-based cohorts in the Genome Aggregation Database (gnomAD). This variant has been identified in conjunction with another CHRNE variant in an individual with features consistent with autosomal recessive CHRNE-related congenital myasthenic syndrome (Valencia, 2015). Based on the available evidence, this alteration is classified as pathogenic.

Natera, Inc.
Classification: Pathogenic for Congenital myasthenic syndrome. Last evaluated: 2025-01-05. Review status: criteria provided, single submitter. Criteria: Natera Variant Classification Schema (03/2026). Collection method: clinical testing. Allele origin: germline.
Comment: The c.529_551delGAGTTCACTTTTGCCGTAGACAA variant in CHRNE is a frameshift variant predicted to shift the reading frame beginning at codon 177 and leads to a stop codon 17 codons downstream. This variant is expected to result in nonsense mediated decay, truncation, or a dysfunctional protein product. This variant is rare in the general population with a frequency below the threshold expected for the associated phenotype(s). This variant has been observed in one or more individuals affected with the associated recessive disease, as either homozygous or compound heterozygous with a second variant (PMID: 26284228, 38832364). Given the available evidence, this variant is classified as Pathogenic.

Baylor Genetics
Classification: Pathogenic for Congenital myasthenic syndrome 4A. Last evaluated: 2023-08-15. Review status: criteria provided, single submitter. Criteria: ACMG Guidelines, 2015. Collection method: clinical testing. Allele origin: unknown.

Greenwood Genetic Center Diagnostic Laboratories, Greenwood Genetic Center
Classification: Pathogenic for CHRNE-related disorder. Last evaluated: 2023-03-02. Review status: criteria provided, single submitter. Criteria: ACMG Guidelines, 2015. Collection method: clinical testing. Allele origin: germline. Affected: yes.
Comment: PVS1, PM2, PM3

Women's Health and Genetics/Laboratory Corporation of America, LabCorp
Classification: Pathogenic for Congenital myasthenic syndrome. Last evaluated: 2023-01-21. Review status: criteria provided, single submitter. Criteria: LabCorp Variant Classification Summary - May 2015. Collection method: clinical testing. Allele origin: germline.
Comment: Variant summary: CHRNE c.529_551del23 (p.Glu177ArgfsX17) results in a premature termination codon, predicted to cause a truncation of the encoded protein or absence of the protein due to nonsense mediated decay, which are commonly known mechanisms for disease. The variant allele was found at a frequency of 4e-06 in 250248 control chromosomes. c.529_551del23 has been reported in the literature in at-least one comprehensively genotyped individual affected with features of Congenital Myasthenic Syndrome (example, PMID: 26284228). To our knowledge, no experimental evidence demonstrating an impact on protein function has been reported. Three clinical diagnostic laboratories have submitted clinical-significance assessments for this variant to ClinVar after 2014 without evidence for independent evaluation. All laboratories classified the variant as pathogenic. Based on the evidence outlined above, the variant was classified as pathogenic.

GeneDx
Classification: Pathogenic. Last evaluated: 2022-11-18. Review status: criteria provided, single submitter. Criteria: GeneDx Variant Classification Process June 2021. Collection method: clinical testing. Allele origin: germline. Affected: yes.
Comment: Frameshift variant predicted to result in protein truncation or nonsense mediated decay in a gene for which loss-of-function is a known mechanism of disease; Not observed at significant frequency in large population cohorts (gnomAD); This variant is associated with the following publications: (PMID: 22678886, 26284228)

Revvity Omics, Revvity
Classification: Likely pathogenic. Last evaluated: 2021-11-29. Review status: criteria provided, single submitter. Criteria: ACMG Guidelines, 2015. Collection method: clinical testing. Allele origin: germline.

PreventionGenetics, part of Exact Sciences
Classification: Likely pathogenic for CHRNE-related condition. Last evaluated: 2024-06-22. Review status: no assertion criteria provided. Collection method: clinical testing. Allele origin: germline. Not counted in ClinVar's aggregate classification.
Comment: The CHRNE c.529_551del23 variant is predicted to result in a frameshift and premature protein termination (p.Glu177Argfs*17). This variant has been reported in an individual with congenital myasthenic syndrome (Valencia et al 2015. PubMed ID: 26284228). This variant has not been reported in the main population groups in the gnomAD database. Frameshift variants in CHRNE are expected to be pathogenic. This variant is interpreted as likely pathogenic.

Literature cited by the submitters: PubMed 26284228 (cited by 5 submitters); PubMed 38832364 (cited by Myriad Genetics, Inc. and Natera, Inc.); PubMed 22678886 (cited by Labcorp Genetics (formerly Invitae), Labcorp).